The following is an entry in ClinVar:

NM_014225.6(PPP2R1A):c.661C>T (p.Arg221Trp)

Gene: PPP2R1A (protein phosphatase 2 scaffold subunit Aalpha; plus strand). Cytogenetic location: 19q13.41.
Variant type: single nucleotide variant.
Coding change: c.661C>T on transcript NM_014225.6 (MANE Select); coding-DNA position 661, C replaced by T.
Protein change: p.Arg221Trp; replaces arginine 221 with tryptophan.
Molecular consequence: missense variant. On other transcripts: non-coding transcript variant (1).
Genome position (GRCh38, 1-based): chr19:52,212,964, C>T. VCF-style: chr19-52212964-C-T. GRCh37 (hg19) VCF-style: chr19-52716217-C-T.
Other names: c.124C>T, p.Arg42Trp (NM_001363656.2); short protein forms R221W, R42W.
Identifiers: ClinVar variation 1683921 (VCV001683921.7), dbSNP rs1173183954, ClinGen allele CA407184298.
Genomic context (GRCh38, chr19:52,212,964, plus strand): 5'-GAGCTCAGCAAGGCCTCTGCTGCCCTCCCACTGTTCCTCTCCTCTCCCTAGGACTCGGTG[C>T]GGCTGCTGGCGGTGGAGGCGTGCGTGAACATCGCCCAGCTTCTGCCCCAGGAGGATCTGG-3'
Protein context (NP_055040.2, residues 211-231): NLASDEQDSV[Arg221Trp]LLAVEACVNI

ClinVar aggregate classification (germline): Uncertain significance. Review status: criteria provided, multiple submitters, no conflicts (2 of 4 stars). 3 submissions from 3 submitters: Uncertain significance (3). Last evaluated 2025-07-25.

Conditions:
Houge-Janssens syndrome 2. Also called: INTELLECTUAL DEVELOPMENTAL DISORDER, AUTOSOMAL DOMINANT 36; Microcephaly-corpus callosum hypoplasia-intellectual disability-facial dysmorphism syndrome; PPP2R1A-Related Neurodevelopmental Disorder. Identifiers: Orphanet 457284, MedGen C4225352, MONDO:0014605, OMIM 616362.
Intellectual disability. Also called: Intellectual developmental disorder; Intellectual functioning disability; intellectual disabilities. Identifiers: MedGen C3714756, MeSH D008607, MONDO:0001071, HP:0001249.

Submissions (3):

Victorian Clinical Genetics Services, Murdoch Childrens Research Institute
Classification: Uncertain significance for Houge-Janssens syndrome 2. Last evaluated: 2025-07-25. Review status: criteria provided, single submitter. Criteria: ACMG Guidelines, 2015. Collection method: clinical testing. Allele origin: germline. Affected: yes.
Comment: This variant is classified as VUS-3A. Evidence in support of pathogenic classification: Variant is absent from gnomAD (v2, v3 and v4); Missense variant in a region that is highly intolerant to missense variation (high constraint region in DECIPHER); Missense variant predicted to be damaging by in silico tool(s) or highly conserved with a major amino acid change. Additional information: Variant is predicted to result in a missense amino acid change from arginine to tryptophan; This variant is heterozygous; This gene is associated with autosomal dominant disease; Alternative amino acid change(s) at the same position are present in gnomAD (Highest alelle count: v4: 3 heterozygote(s), 0 homozygote(s)); Previous reports of pathogenicity for this variant are conflicting. This variant has been classified as a variant of uncertain significance by a clinical laboratory in ClinVar. It has also been reported in the literature in an individual from an autism spectrum disorder cohort and predicted to be damaging (PMID: 35327467); No published segregation evidence has been identified for this variant; No published functional evidence has been identified for this variant; Another missense variant comparable to the one identified in this case has inconclusive previous evidence for pathogenicity. p.(Arg221Gln) has been classified as a variant of uncertain significance in by a clinical laboratory in ClinVar; Dominant negative is a likely mechanism of disease in this gene and is associated with Houge-Janssens syndrome 2 (MIM#616362); Inheritance information for this variant is not currently available in this individual.

GeneDx
Classification: Uncertain significance. Last evaluated: 2025-03-25. Review status: criteria provided, single submitter. Criteria: GeneDx Variant Classification Process June 2021. Collection method: clinical testing. Allele origin: germline. Affected: yes.
Comment: Not observed at significant frequency in large population cohorts (gnomAD); In silico analysis supports that this missense variant has a deleterious effect on protein structure/function; Has not been previously published as pathogenic or benign to our knowledge

Cambridge Genomics Laboratory, East Genomic Laboratory Hub, NHS Genomic Medicine Service
Classification: Uncertain significance for Intellectual disability. Last evaluated: 2020-07-27. Review status: criteria provided, single submitter. Criteria: ACGS Best Practice Guidelines for Variant Classification in Rare Disease 2020. Collection method: clinical testing. Allele origin: germline. Affected: yes. Observed: 1 variant allele.

Literature cited by the submitters: PubMed 35327467 (cited by Victorian Clinical Genetics Services, Murdoch Childrens Research Institute).